The following is an entry in ClinVar:

NM_002715.4(PPP2CA):c.279A>G (p.Ser93=)

Gene: PPP2CA (protein phosphatase 2 catalytic subunit alpha; minus strand). Cytogenetic location: 5q31.1.
Variant type: single nucleotide variant.
Coding change: c.279A>G on transcript NM_002715.4 (MANE Select); coding-DNA position 279, A replaced by G.
Protein change: p.Ser93=; no amino-acid change (serine 93 retained).
Molecular consequence: synonymous variant. On other transcripts: non-coding transcript variant (1).
Genome position (GRCh38, 1-based): chr5:134,205,955, T>C on the plus strand (A>G on the coding strand, the complement: PPP2CA is on the minus strand). VCF-style: chr5-134205955-T-C. GRCh37 (hg19) VCF-style: chr5-133541646-T-C.
Other names: c.84A>G, p.Ser28= (NM_001355019.2).
Identifiers: ClinVar variation 2655709 (VCV002655709.26), dbSNP rs1046552636, ClinGen allele CA127929364.
Genomic context (GRCh38, chr5:134,205,955, plus strand): 5'-CATGCCCCAACATAAAATTGAAATTACCTTAAGAGCTACAAGCAGTGTAACTGTTTCAAC[T>C]GAATAATATCCTCTGTCAACATAATCTCCCATAAACAAGTAATTTGTATCTGGTGATTTG-3'
Protein context (NP_002706.1, residues 83-103): MGDYVDRGYY[Ser93=]VETVTLLVAL

ClinVar aggregate classification (germline): Likely benign. Review status: criteria provided, multiple submitters, no conflicts (2 of 4 stars). 2 submissions from 2 submitters: Likely benign (2). Last evaluated 2024-08-13.

Allele frequency attached by ClinVar (database versions not stated): TOPMed below 0.00001.
gnomAD v4.1: 4 of 1,614,126 alleles (0.00025%); highest among the groups gnomAD compares: Admixed American, 0.0033%; no homozygotes.

Submissions (2):

Labcorp Genetics (formerly Invitae), Labcorp
Classification: Likely benign. Last evaluated: 2024-08-13. Review status: criteria provided, single submitter. Criteria: Invitae Variant Classification Sherloc (09022015). Collection method: clinical testing. Allele origin: germline.

CeGaT Center for Human Genetics Tuebingen
Classification: Likely benign. Last evaluated: 2023-04-01. Review status: criteria provided, single submitter. Criteria: CeGaT Center For Human Genetics Tuebingen Variant Classification Criteria Version 2. Collection method: clinical testing. Allele origin: germline. Affected: yes. Observed: 1 variant allele.
Comment: PPP2CA: BP4, BP7